The following is an entry in ClinVar:

ClinVar aggregate classification (germline): Uncertain significance. Review status: criteria provided, multiple submitters, no conflicts (2 of 4 stars). 2 submissions from 2 submitters: Uncertain significance (2). Last evaluated 2024-10-30.

Conditions:
Hereditary cancer-predisposing syndrome. Also called: Hereditary Cancer Syndrome; Tumor predisposition; Neoplastic Syndromes, Hereditary; Hereditary neoplastic syndrome. Identifiers: Orphanet 140162, MedGen C0027672, MeSH D009386, MONDO:0015356.
Neuroblastoma, susceptibility to, 3. Also called: ALK-Related Neuroblastic Tumor Susceptibility. Identifiers: Orphanet 635, MedGen C2751681, MONDO:0013083, OMIM 613014.

Submissions (3):

Labcorp Genetics (formerly Invitae), Labcorp
Classification: Uncertain significance for Neuroblastoma, susceptibility to, 3. Last evaluated: 2024-10-30. Review status: criteria provided, single submitter. Criteria: Invitae Variant Classification Sherloc (09022015). Collection method: clinical testing. Allele origin: germline.
Comment: This sequence change replaces glycine, which is neutral and non-polar, with glutamic acid, which is acidic and polar, at codon 747 of the ALK protein (p.Gly747Glu). This variant is not present in population databases (gnomAD no frequency). This variant has not been reported in the literature in individuals affected with ALK-related conditions. ClinVar contains an entry for this variant (Variation ID: 3223826). An algorithm developed to predict the effect of missense changes on protein structure and function (PolyPhen-2) suggests that this variant is likely to be disruptive. In summary, the available evidence is currently insufficient to determine the role of this variant in disease. Therefore, it has been classified as a Variant of Uncertain Significance.

Ambry Genetics
Classification: Uncertain significance for Hereditary cancer-predisposing syndrome. Last evaluated: 2024-02-25. Review status: criteria provided, single submitter. Criteria: Ambry Variant Classification Scheme 2023. Collection method: clinical testing. Allele origin: germline.
Comment: The p.G747E variant (also known as c.2240G>A), located in coding exon 13 of the ALK gene, results from a G to A substitution at nucleotide position 2240. The glycine at codon 747 is replaced by glutamic acid, an amino acid with similar properties. This amino acid position is conserved. In addition, this alteration is predicted to be deleterious by in silico analysis. Based on the available evidence, the clinical significance of this alteration remains unclear.

Dr. Peter K. Rogan Lab, Western University
No classification provided (evidence only). Condition: Melanoma. Review status: no classification provided. Collection method: in vitro. Allele origin: not applicable. Functional consequence: retained intron. Not counted in ClinVar's aggregate classification.

NM_004304.5(ALK):c.2240G>A (p.Gly747Glu)

Gene: ALK (ALK receptor tyrosine kinase; minus strand). Cytogenetic location: 2p23.2.
Variant type: single nucleotide variant.
Coding change: c.2240G>A on transcript NM_004304.5 (MANE Select); coding-DNA position 2240, G replaced by A.
Protein change: p.Gly747Glu; replaces glycine 747 with glutamic acid.
Molecular consequence: missense variant.
Genome position (GRCh38, 1-based): chr2:29,239,795, C>T on the plus strand (G>A on the coding strand, the complement: ALK is on the minus strand). VCF-style: chr2-29239795-C-T. GRCh37 (hg19) VCF-style: chr2-29462661-C-T.
Other names: short protein forms G747E.
Identifiers: ClinVar variation 3223826 (VCV003223826.4), dbSNP rs2148188835, ClinGen allele CA346474690.